The following is an entry in ClinVar:

ClinVar aggregate classification (germline): Uncertain significance. Review status: criteria provided, multiple submitters, no conflicts (2 of 4 stars). 2 submissions from 2 submitters: Uncertain significance (2). Last evaluated 2024-06-13.

Conditions:
Cardiovascular phenotype. Identifiers: MedGen CN230736.

Allele frequency attached by ClinVar (database versions not stated): TOPMed below 0.00001; gnomAD 0.00001.
gnomAD v4.1: 1 of 1,548,818 alleles (0.000065%); highest among the groups gnomAD compares: Non-Finnish European, 0.000087%; no homozygotes.

Submissions (2):

Labcorp Genetics (formerly Invitae), Labcorp
Classification: Uncertain significance. Last evaluated: 2024-06-13. Review status: criteria provided, single submitter. Criteria: Invitae Variant Classification Sherloc (09022015). Collection method: clinical testing. Allele origin: germline.
Comment: This sequence change replaces alanine, which is neutral and non-polar, with valine, which is neutral and non-polar, at codon 2114 of the ZNF469 protein (p.Ala2114Val). This variant is not present in population databases (gnomAD no frequency). This variant has not been reported in the literature in individuals affected with ZNF469-related conditions. Algorithms developed to predict the effect of missense changes on protein structure and function output the following: SIFT: "Not Available"; PolyPhen-2: "Benign"; Align-GVGD: "Not Available". The valine amino acid residue is found in multiple mammalian species, which suggests that this missense change does not adversely affect protein function. In summary, the available evidence is currently insufficient to determine the role of this variant in disease. Therefore, it has been classified as a Variant of Uncertain Significance.

Ambry Genetics
Classification: Uncertain significance for Cardiovascular phenotype. Last evaluated: 2022-11-10. Review status: criteria provided, single submitter. Criteria: Ambry Variant Classification Scheme 2023. Collection method: clinical testing. Allele origin: germline.
Comment: The p.A2114V variant (also known as c.6341C>T), located in coding exon 2 of the ZNF469 gene, results from a C to T substitution at nucleotide position 6341. The alanine at codon 2114 is replaced by valine, an amino acid with similar properties. This amino acid position is conserved. In addition, this alteration is predicted to be tolerated by in silico analysis. Since supporting evidence is limited at this time, the clinical significance of this alteration remains unclear.

NM_001367624.2(ZNF469):c.6425C>T (p.Ala2142Val)

Gene: ZNF469 (zinc finger protein 469; plus strand). Cytogenetic location: 16q24.2.
Variant type: single nucleotide variant.
Coding change: c.6425C>T on transcript NM_001367624.2 (MANE Select); coding-DNA position 6425, C replaced by T.
Protein change: p.Ala2142Val; replaces alanine 2142 with valine.
Molecular consequence: missense variant.
Genome position (GRCh38, 1-based): chr16:88,433,895, C>T. VCF-style: chr16-88433895-C-T. GRCh37 (hg19) VCF-style: chr16-88500303-C-T.
Other names: NM_001127464.1:c.6341C>T; short protein forms A2142V.
Identifiers: ClinVar variation 2449436 (VCV002449436.4), dbSNP rs1480193723, ClinGen allele CA397105856.